The following is an entry in ClinVar:

ClinVar aggregate classification (germline): Likely pathogenic (1 of 4 stars; one submission).

Conditions:
Deficiency of hydroxymethylglutaryl-CoA lyase (HMGCLD). Also called: HMGCL DEFICIENCY; HYDROXYMETHYLGLUTARIC ACIDURIA; HMG-CoA LYASE DEFICIENCY; Defect in leucine metabolism; 3-hydroxy-3-methylglutaric aciduria. Identifiers: Orphanet 20, MedGen C1533587, MONDO:0009520, OMIM 246450.

Submission:

Myriad Genetics, Inc.
Classification: Likely pathogenic for Deficiency of hydroxymethylglutaryl-CoA lyase. Last evaluated: 2022-03-01. Review status: criteria provided, single submitter. Criteria: Myriad Women's Health Autosomal Recessive and X-Linked Classification Criteria (2021). Collection method: clinical testing. Allele origin: unknown.
Comment: NM_000191.2(HMGCL):c.276_278delGAAinsT(L92Ffs*59) is expected to be pathogenic in the context of HMG-CoA lyase deficiency. This variant is predicted to lead to an abnormal or absent protein product due to the creation of a premature termination codon in HMGCL, a gene where loss-of-function variants are known to be pathogenic. Please note: this variant was assessed in the context of healthy population screening.

NM_000191.3(HMGCL):c.276_278delinsT (p.Leu92fs)

Gene: HMGCL (3-hydroxy-3-methylglutaryl-CoA lyase; minus strand). Cytogenetic location: 1p36.11.
Variant type: Indel.
Coding change: c.276_278delinsT on transcript NM_000191.3 (MANE Select); coding-DNA positions 276 to 278, GAA replaced by T.
Protein change: p.Leu92fs; shifts the reading frame from leucine 92.
Molecular consequence: frameshift variant.
Genome position (GRCh38, 1-based): chr1:23,816,745-23,816,747, TTC replaced by A on the plus strand (GAA replaced by T on the coding strand, the reverse complement: HMGCL is on the minus strand). VCF-style: chr1-23816745-TTC-A. GRCh37 (hg19) VCF-style: chr1-24143235-TTC-A.
Other names: c.276_278delinsT, p.Leu92fs (NM_001166059.2); short protein forms L92fs.
Identifiers: ClinVar variation 1724849 (VCV001724849.2), dbSNP rs2521455525, ClinGen allele CA2580061569.